The following is an entry in ClinVar:

ClinVar aggregate classification (germline): Uncertain significance (1 of 4 stars; one submission).

Allele frequency attached by ClinVar (database versions not stated): ExAC 0.00001; gnomAD 0.00001; gnomAD exomes 0.00001; TOPMed 0.00001; ESP Exome Variant Server 0.00008.
gnomAD v4.1: 33 of 1,614,002 alleles (0.002%); highest among the groups gnomAD compares: Middle Eastern, 0.016%; no homozygotes.

Submission:

Labcorp Genetics (formerly Invitae), Labcorp
Classification: Uncertain significance. Last evaluated: 2022-09-13. Review status: criteria provided, single submitter. Criteria: Invitae Variant Classification Sherloc (09022015). Collection method: clinical testing. Allele origin: germline.
Comment: This sequence change replaces asparagine, which is neutral and polar, with serine, which is neutral and polar, at codon 57 of the SPINT2 protein (p.Asn57Ser). This variant is present in population databases (rs143771318, gnomAD 0.003%). This variant has not been reported in the literature in individuals affected with SPINT2-related conditions. ClinVar contains an entry for this variant (Variation ID: 1438600). Advanced modeling of protein sequence and biophysical properties (such as structural, functional, and spatial information, amino acid conservation, physicochemical variation, residue mobility, and thermodynamic stability) performed at Invitae indicates that this missense variant is expected to disrupt SPINT2 protein function. In summary, the available evidence is currently insufficient to determine the role of this variant in disease. Therefore, it has been classified as a Variant of Uncertain Significance.

NM_021102.4(SPINT2):c.170A>G (p.Asn57Ser)

Gene: SPINT2 (serine peptidase inhibitor, Kunitz type 2; plus strand). Cytogenetic location: 19q13.2.
Variant type: single nucleotide variant.
Coding change: c.170A>G on transcript NM_021102.4 (MANE Select); coding-DNA position 170, A replaced by G.
Protein change: p.Asn57Ser; replaces asparagine 57 with serine.
Molecular consequence: missense variant. On other transcripts: intron variant (1).
Genome position (GRCh38, 1-based): chr19:38,283,690, A>G. VCF-style: chr19-38283690-A-G. GRCh37 (hg19) VCF-style: chr19-38774330-A-G.
Other names: c.107-4186A>G (NM_001166103.2); short protein forms N57S.
Identifiers: ClinVar variation 1438600 (VCV001438600.3), dbSNP rs143771318, ClinGen allele CA9411335.